The following is an entry in ClinVar:

NM_203447.4(DOCK8):c.2781C>G (p.Ile927Met)

Gene: DOCK8 (dedicator of cytokinesis 8; plus strand). Cytogenetic location: 9p24.3.
Variant type: single nucleotide variant.
Coding change: c.2781C>G on transcript NM_203447.4 (MANE Select); coding-DNA position 2781, C replaced by G.
Protein change: p.Ile927Met; replaces isoleucine 927 with methionine.
Molecular consequence: missense variant. On other transcripts: intron variant (1).
Genome position (GRCh38, 1-based): chr9:386,333, C>G. VCF-style: chr9-386333-C-G. GRCh37 (hg19) VCF-style: chr9-386333-C-G.
Other names: c.2577C>G, p.Ile859Met (NM_001193536.2); c.2574+3648C>G (NM_001190458.2); short protein forms I927M, I859M.
Identifiers: ClinVar variation 566681 (VCV000566681.9), dbSNP rs371502513, ClinGen allele CA187823632.
Genomic context (GRCh38, chr9:386,333, plus strand): 5'-TGTCTGGCTTACCTTTCCATGGTTGGTTGACTGTTAAGCCATGGTTTGTGTATTTTAGAT[C>G]GCCGATCGCAACTGCAGCCGAATGTCTTACTATTGCTCTGGCAGTAGTGATGCTCCAAGT-3'
Protein context (NP_982272.2, residues 917-937): EEVKNIMSSK[Ile927Met]ADRNCSRMSY

ClinVar aggregate classification (germline): Uncertain significance (1 of 4 stars; one submission).

Conditions:
Combined immunodeficiency due to DOCK8 deficiency (HIES2). Also called: HYPER-IgE SYNDROME 2, AUTOSOMAL RECESSIVE, WITH RECURRENT INFECTIONS; HIES autosomal recessive; DOCK8 Deficiency; HYPER-IgE RECURRENT INFECTION SYNDROME 2, AUTOSOMAL RECESSIVE; Hyper-IgE recurrent infection syndrome, autosomal recessive. Identifiers: Orphanet 217390, MedGen C4722305, MONDO:0009478, OMIM 243700.

Allele frequency attached by ClinVar (database versions not stated): TOPMed 0.00001.
gnomAD v4.1: 14 of 1,613,278 alleles (0.00087%); highest among the groups gnomAD compares: African/African-American, 0.0013%; no homozygotes.

Submission:

Labcorp Genetics (formerly Invitae), Labcorp
Classification: Uncertain significance for Combined immunodeficiency due to DOCK8 deficiency. Last evaluated: 2018-03-23. Review status: criteria provided, single submitter. Criteria: Invitae Variant Classification Sherloc (09022015). Collection method: clinical testing. Allele origin: germline.
Comment: In summary, the available evidence is currently insufficient to determine the role of this variant in disease. Therefore, it has been classified as a Variant of Uncertain Significance. Algorithms developed to predict the effect of missense changes on protein structure and function output the following: SIFT: "Tolerated"; PolyPhen-2: "Benign"; Align-GVGD: "Class C0". The methionine amino acid residue is found in multiple mammalian species, suggesting that this missense change does not adversely affect protein function. These predictions have not been confirmed by published functional studies and their clinical significance is uncertain. This variant has not been reported in the literature in individuals with DOCK8-related disease. This variant is not present in population databases (ExAC no frequency). This sequence change replaces isoleucine with methionine at codon 927 of the DOCK8 protein (p.Ile927Met). The isoleucine residue is weakly conserved and there is a small physicochemical difference between isoleucine and methionine.